The following is an entry in ClinVar:

NM_002769.5(PRSS1):c.502C>A (p.Gln168Lys)

Genes: TRB (T cell receptor beta locus; plus strand), PRSS1 (serine protease 1; plus strand). Cytogenetic location: 7q34.
Variant type: single nucleotide variant.
Coding change: c.502C>A on transcript NM_002769.5 (MANE Select); coding-DNA position 502, C replaced by A.
Protein change: p.Gln168Lys; replaces glutamine 168 with lysine.
Molecular consequence: missense variant. On other transcripts: non-coding transcript variant (5).
Genome position (GRCh38, 1-based): chr7:142,752,478, C>A. VCF-style: chr7-142752478-C-A. GRCh37 (hg19) VCF-style: chr7-142460329-C-A.
Other names: short protein forms Q168K.
Identifiers: ClinVar variation 1744883 (VCV001744883.6), dbSNP rs575283731, ClinGen allele CA4530039.
Genomic context (GRCh38, chr7:142,752,478, plus strand): 5'-CTGATCCTCACAGCCGACTACCCAGACGAGCTGCAGTGCCTGGATGCTCCTGTGCTGAGC[C>A]AGGCTAAGTGTGAAGCCTCCTACCCTGGAAAGATTACCAGCAACATGTTCTGTGTGGGCT-3'
Protein context (NP_002760.1, residues 158-178): LQCLDAPVLS[Gln168Lys]AKCEASYPGK

ClinVar aggregate classification (germline): Uncertain significance. Review status: criteria provided, multiple submitters, no conflicts (2 of 4 stars). 2 submissions from 2 submitters: Uncertain significance (2). Last evaluated 2025-05-21.

Conditions:
Hereditary pancreatitis (PCTT). Also called: Hereditary chronic pancreatitis; PRSS1-Related Hereditary Pancreatitis. Identifiers: Orphanet 676, MedGen C0238339, MONDO:0008185, OMIM 167800.

Allele frequency attached by ClinVar (database versions not stated): ExAC 0.00001; gnomAD 0.00002; 1000 Genomes Project 30x 0.00016; 1000 Genomes Project 0.00020.
gnomAD v4.1: 8 of 1,614,168 alleles (0.0005%); highest among the groups gnomAD compares: African/African-American, 0.0093%; no homozygotes.

Submissions (2):

Labcorp Genetics (formerly Invitae), Labcorp
Classification: Uncertain significance for Hereditary pancreatitis. Last evaluated: 2025-05-21. Review status: criteria provided, single submitter. Criteria: Invitae Variant Classification Sherloc (09022015). Collection method: clinical testing. Allele origin: germline.
Comment: This sequence change replaces glutamine, which is neutral and polar, with lysine, which is basic and polar, at codon 168 of the PRSS1 protein (p.Gln168Lys). The frequency data for this variant in the population databases is considered unreliable, as metrics indicate poor data quality at this position in the gnomAD database. This variant has not been reported in the literature in individuals affected with PRSS1-related conditions. ClinVar contains an entry for this variant (Variation ID: 1744883). Invitae Evidence Modeling of protein sequence and biophysical properties (such as structural, functional, and spatial information, amino acid conservation, physicochemical variation, residue mobility, and thermodynamic stability) indicates that this missense variant is not expected to disrupt PRSS1 protein function with a negative predictive value of 80%. In summary, the available evidence is currently insufficient to determine the role of this variant in disease. Therefore, it has been classified as a Variant of Uncertain Significance.

Ambry Genetics
Classification: Uncertain significance for Hereditary pancreatitis. Last evaluated: 2025-01-17. Review status: criteria provided, single submitter. Criteria: Ambry Variant Classification Scheme 2023. Collection method: clinical testing. Allele origin: germline.
Comment: The p.Q168K variant (also known as c.502C>A), located in coding exon 4 of the PRSS1 gene, results from a C to A substitution at nucleotide position 502. The glutamine at codon 168 is replaced by lysine, an amino acid with similar properties. This amino acid position is poorly conserved in available vertebrate species. In addition, this alteration is predicted to be tolerated by in silico analysis. Since supporting evidence is limited at this time, the clinical significance of this alteration remains unclear.